The following is an entry in ClinVar:

ClinVar aggregate classification (germline): Conflicting classifications of pathogenicity. Review status: criteria provided, conflicting classifications (1 of 4 stars). 2 submissions from 2 submitters: Likely pathogenic (1); Uncertain significance (1). Last evaluated 2023-05-08.

Conditions:
Familial adenomatous polyposis 2. Also called: MUTYH-associated polyposis; MUTYH-related attenuated familial adenomatous polyposis; FAP type 2; Adenomas, multiple colorectal; MYH-associated polyposis; MUTYH Polyposis. Identifiers: Orphanet 220460, Orphanet 247798, MedGen C3272841, MONDO:0012041, OMIM 608456.
Hereditary cancer-predisposing syndrome. Also called: Hereditary Cancer Syndrome; Hereditary neoplastic syndrome; Neoplastic Syndromes, Hereditary; Tumor predisposition. Identifiers: Orphanet 140162, MedGen C0027672, MeSH D009386, MONDO:0015356.

Submissions (2):

Baylor Genetics
Classification: Uncertain significance for Familial adenomatous polyposis 2. Last evaluated: 2023-05-08. Review status: criteria provided, single submitter. Criteria: ACMG Guidelines, 2015. Collection method: clinical testing. Allele origin: unknown.

Ambry Genetics
Classification: Likely pathogenic for Hereditary cancer-predisposing syndrome. Last evaluated: 2022-03-07. Review status: criteria provided, single submitter. Criteria: Ambry Variant Classification Scheme 2023. Collection method: clinical testing. Allele origin: germline.
Comment: The c.824_829dupCAGGAG variant (also known as p.G276_D277insAG), located in coding exon 10 of the MUTYH gene, results from an in-frame duplication of CAGGAG at nucleotide positions 824 to 829. This results in the insertion of 2 extra residues (alanine and glycine) between codons 276 and 277. This alteration has been detected in patients with colon polyposis who were also positive for a second alteration in the MUTYH gene (Aretz S et al. Int J Cancer, 2006 Aug;119:807-14; Ambry internal data). Based on internal structural analysis, p.G276_D277insAG is deleterious and is predicted to be more deleterious compared to nearby pathogenic variants (Ambry internal data; Luncsford PJ et al. J Mol Biol, 2010 Oct;403:351-70). This variant is considered to be rare based on population cohorts in the Genome Aggregation Database (gnomAD). The amino acid positions in this region are generally highly conserved in available vertebrate species. In addition, this alteration is predicted to be deleterious by in silico analysis (Choi Y et al. PLoS ONE. 2012; 7(10):e46688). Based on the majority of available evidence to date, this variant is likely to be pathogenic.

Literature cited by the submitters: PubMed 16557584 (cited by Ambry Genetics); PubMed 20816984 (cited by Ambry Genetics).

NM_001048174.2(MUTYH):c.740_745dup (p.Gly248_Asp249insAlaGly)

Gene: MUTYH (mutY DNA glycosylase; minus strand). Cytogenetic location: 1p34.1.
Variant type: Duplication.
Coding change: c.740_745dup on transcript NM_001048174.2 (MANE Select); coding-DNA positions 740 to 745, 6 bases duplicated (CAGGAG; older notation c.740_745dupCAGGAG).
Protein change: p.Gly248_Asp249insAlaGly.
Molecular consequence: inframe insertion. On other transcripts: inframe indel (20), non-coding transcript variant (2).
Genome position (GRCh38, 1-based): chr1:45,332,270-45,332,275, CTCCTG duplicated on the plus strand (CAGGAG on the coding strand, the reverse complement: MUTYH is on the minus strand). VCF-style (leftmost placement, unchanged base first): chr1-45332269-T-TCTCCTG. GRCh37 (hg19) VCF-style: chr1-45797941-T-TCTCCTG.
Other names: c.824_829dupCAGGAG (NM_001128425.1); c.740_745dup, p.Gly248_Asp249insAlaGly (NM_001048171.2, NM_001048173.2, NM_001293195.2 and 6 more transcripts); c.743_748dup, p.Gly249_Asp250insAlaGly (NM_001048172.2, NM_001407071.1, NM_001407078.1 and 1 more transcripts); c.824_829dup, p.Gly276_Asp277insAlaGly (NM_001128425.2); c.785_790dup, p.Gly263_Asp264insAlaGly (NM_001293190.2); c.773_778dup, p.Gly259_Asp260insAlaGly (NM_001293191.2, NM_001407069.1, NM_001407077.1); c.464_469dup, p.Gly156_Asp157insAlaGly (NM_001293192.2, NM_001293196.2, NM_001407091.1); c.395_400dup, p.Gly133_Asp134insAlaGly (NM_001350650.2, NM_001350651.2, NM_001407082.1); and 6 more.
Identifiers: ClinVar variation 1762593 (VCV001762593.3), dbSNP rs2524086960, ClinGen allele CA2580063095.